The following is an entry in ClinVar:

NM_032043.3(BRIP1):c.759_760dup (p.Lys254fs)

Gene: BRIP1 (BRCA1 interacting DNA helicase 1; minus strand). Cytogenetic location: 17q23.2.
Variant type: Microsatellite.
Coding change: c.759_760dup on transcript NM_032043.3 (MANE Select); coding-DNA positions 759 to 760, 2 bases duplicated (CA; older notation c.759_760dupCA).
Protein change: p.Lys254fs; shifts the reading frame from lysine 254.
Molecular consequence: frameshift variant.
Genome position (GRCh38, 1-based): chr17:61,808,625-61,808,626, TG duplicated on the plus strand (CA on the coding strand, the reverse complement: BRIP1 is on the minus strand); duplicating any 2 consecutive bases within chr17:61,808,625-61,808,632 gives the same sequence; the c. name uses the placement nearest the transcript's 3' end. VCF-style (leftmost placement, unchanged base first): chr17-61808624-T-TTG. GRCh37 (hg19) VCF-style: chr17-59885985-T-TTG.
Other names: short protein forms K254fs.
Identifiers: ClinVar variation 952035 (VCV000952035.10), dbSNP rs2078112240, ClinGen allele CA2269182514.

ClinVar aggregate classification (germline): Pathogenic. Review status: criteria provided, multiple submitters, no conflicts (2 of 4 stars). 2 submissions from 2 submitters: Pathogenic (2). Last evaluated 2023-05-31.

Conditions:
Familial cancer of breast. Also called: Hereditary breast cancer; hereditary breast carcinoma; BREAST CANCER, FAMILIAL. Identifiers: Orphanet 227535, MedGen C0346153, MONDO:0016419, OMIM 114480. Disease mechanism: loss of function.
Fanconi anemia complementation group J. Also called: BRIP1-Related Fanconi Anemia. Identifiers: Orphanet 84, MedGen C1836860, MONDO:0012187, OMIM 609054.

Submissions (2):

Myriad Genetics, Inc.
Classification: Pathogenic for Familial cancer of breast. Last evaluated: 2023-05-31. Review status: criteria provided, single submitter. Criteria: Myriad Autosomal Dominant, Autosomal Recessive and X-Linked Classification Criteria (2023). Collection method: clinical testing. Allele origin: unknown.
Comment: This variant is considered pathogenic. This variant creates a frameshift predicted to result in premature protein truncation.

Labcorp Genetics (formerly Invitae), Labcorp
Classification: Pathogenic for Familial cancer of breast; Fanconi anemia complementation group J. Last evaluated: 2019-07-31. Review status: criteria provided, single submitter. Criteria: Invitae Variant Classification Sherloc (09022015). Collection method: clinical testing. Allele origin: germline.
Comment: This sequence change creates a premature translational stop signal (p.Lys254Thrfs*21) in the BRIP1 gene. It is expected to result in an absent or disrupted protein product. For these reasons, this variant has been classified as Pathogenic. Loss-of-function variants in BRIP1 are known to be pathogenic (PMID: 16116423, 17033622, 21964575). This variant has not been reported in the literature in individuals with BRIP1-related conditions. This variant is not present in population databases (ExAC no frequency).

Literature cited by the submitters: PubMed 16116423 (cited by Labcorp Genetics (formerly Invitae), Labcorp); PubMed 17033622 (cited by Labcorp Genetics (formerly Invitae), Labcorp); PubMed 21964575 (cited by Labcorp Genetics (formerly Invitae), Labcorp).